The following is an entry in ClinVar:

ClinVar aggregate classification (germline): Uncertain significance. Review status: criteria provided, multiple submitters, no conflicts (2 of 4 stars). 2 submissions from 2 submitters: Uncertain significance (2). Last evaluated 2024-11-22.

gnomAD v4.1: 5 of 1,605,296 alleles (0.00031%); highest among the groups gnomAD compares: Non-Finnish European, 0.00043%; no homozygotes.

Submissions (2):

Ambry Genetics
Classification: Uncertain significance. Last evaluated: 2024-11-22. Review status: criteria provided, single submitter. Criteria: Ambry Variant Classification Scheme 2023. Collection method: clinical testing. Allele origin: germline.
Comment: The p.L378R variant (also known as c.1133T>G), located in coding exon 10 of the GEN1 gene, results from a T to G substitution at nucleotide position 1133. The leucine at codon 378 is replaced by arginine, an amino acid with dissimilar properties. This amino acid position is conserved. In addition, this alteration is predicted to be deleterious by in silico analysis. Based on the available evidence, the clinical significance of this variant remains unclear.

Labcorp Genetics (formerly Invitae), Labcorp
Classification: Uncertain significance. Last evaluated: 2024-05-31. Review status: criteria provided, single submitter. Criteria: Invitae Variant Classification Sherloc (09022015). Collection method: clinical testing. Allele origin: germline.
Comment: This sequence change replaces leucine, which is neutral and non-polar, with arginine, which is basic and polar, at codon 378 of the GEN1 protein (p.Leu378Arg). This variant is present in population databases (rs760865205, gnomAD 0.0009%). This variant has not been reported in the literature in individuals affected with GEN1-related conditions. An algorithm developed to predict the effect of missense changes on protein structure and function (PolyPhen-2) suggests that this variant is likely to be disruptive. Algorithms developed to predict the effect of sequence changes on RNA splicing suggest that this variant may create or strengthen a splice site. In summary, the available evidence is currently insufficient to determine the role of this variant in disease. Therefore, it has been classified as a Variant of Uncertain Significance.

NM_001130009.3(GEN1):c.1133T>G (p.Leu378Arg)

Gene: GEN1 (GEN1 structure-specific endonuclease; plus strand). Cytogenetic location: 2p24.2.
Variant type: single nucleotide variant.
Coding change: c.1133T>G on transcript NM_001130009.3 (MANE Select); coding-DNA position 1133, T replaced by G.
Protein change: p.Leu378Arg; replaces leucine 378 with arginine.
Molecular consequence: missense variant.
Genome position (GRCh38, 1-based): chr2:17,774,332, T>G. VCF-style: chr2-17774332-T-G. GRCh37 (hg19) VCF-style: chr2-17955599-T-G.
Other names: c.1133T>G, p.Leu378Arg (NM_182625.5); short protein forms L378R.
Identifiers: ClinVar variation 3519730 (VCV003519730.3).
Genomic context (GRCh38, chr2:17,774,332, plus strand): 5'-GATTTACTCTTGAAAAAATGGAGTGGCCCAATCACTATGCATGTGAGAAATTGCTGGTAC[T>G]TTTGACCCATTATGACATGATAGAAAGAAAGCTTGGTAGCAGAAACTCTAATCAACTACA-3'
Protein context (NP_001123481.3, residues 368-388): NHYACEKLLV[Leu378Arg]LTHYDMIERK